The following is an entry in ClinVar:

NM_012210.4(TRIM32):c.697G>T (p.Val233Leu)

Genes: ASTN2 (astrotactin 2; minus strand), TRIM32 (tripartite motif containing 32; plus strand). Cytogenetic location: 9q33.1.
Variant type: single nucleotide variant.
Coding change: c.697G>T on transcript NM_012210.4 (MANE Select); coding-DNA position 697, G replaced by T.
Protein change: p.Val233Leu; replaces valine 233 with leucine.
Molecular consequence: missense variant. On other transcripts: intron variant (3).
Genome position (GRCh38, 1-based): chr9:116,698,439, G>T. VCF-style: chr9-116698439-G-T. GRCh37 (hg19) VCF-style: chr9-119460718-G-T.
Other names: c.697G>T, p.Val233Leu (NM_001379049.1, NM_001379050.1, NM_001099679.2 and 1 more transcripts); c.2653+27332C>A (NM_014010.5); c.2794+27332C>A (NM_001365069.1); c.2806+27332C>A (NM_001365068.1); short protein forms V233L.
Identifiers: ClinVar variation 1009827 (VCV001009827.8), dbSNP rs747723402, ClinGen allele CA374649483.

ClinVar aggregate classification (germline): Uncertain significance (1 of 4 stars; one submission).

Conditions:
Bardet-Biedl syndrome (BBS). Identifiers: Orphanet 110, MedGen C0752166, MONDO:0015229.

Submission:

Labcorp Genetics (formerly Invitae), Labcorp
Classification: Uncertain significance for Bardet-Biedl syndrome. Last evaluated: 2020-03-01. Review status: criteria provided, single submitter. Criteria: Invitae Variant Classification Sherloc (09022015). Collection method: clinical testing. Allele origin: germline.
Comment: This sequence change replaces valine with leucine at codon 233 of the TRIM32 protein (p.Val233Leu). The valine residue is highly conserved and there is a small physicochemical difference between valine and leucine. This variant is not present in population databases (ExAC no frequency). This variant has not been reported in the literature in individuals with TRIM32-related conditions. Algorithms developed to predict the effect of missense changes on protein structure and function are either unavailable or do not agree on the potential impact of this missense change (SIFT: "Deleterious"; PolyPhen-2: "Benign"; Align-GVGD: "Class C25"). In summary, the available evidence is currently insufficient to determine the role of this variant in disease. Therefore, it has been classified as a Variant of Uncertain Significance.